The following is an entry in ClinVar:

NM_001372106.1(DNAH10):c.11741A>T (p.Glu3914Val)

Gene: DNAH10 (dynein axonemal heavy chain 10; plus strand). Cytogenetic location: 12q24.31.
Variant type: single nucleotide variant.
Coding change: c.11741A>T on transcript NM_001372106.1 (MANE Select); coding-DNA position 11741, A replaced by T.
Protein change: p.Glu3914Val; replaces glutamic acid 3914 with valine.
Molecular consequence: missense variant.
Genome position (GRCh38, 1-based): chr12:123,924,407, A>T. VCF-style: chr12-123924407-A-T. GRCh37 (hg19) VCF-style: chr12-124408954-A-T.
Other names: c.11387A>T, p.Glu3796Val (NM_207437.3); short protein forms E3796V, E3914V.
Identifiers: ClinVar variation 5005064 (VCV005005064.2).

ClinVar aggregate classification (germline): Uncertain significance (1 of 4 stars; one submission).

Conditions:
Spermatogenic failure 56. Identifiers: MedGen C5561978, MONDO:0030430, OMIM 619515.

Submission:

Juno Genomics, Hangzhou Juno Genomics, Inc
Classification: Uncertain significance for Spermatogenic failure 56. Review status: criteria provided, single submitter. Criteria: ACMG Guidelines, 2015. Collection method: clinical testing. Allele origin: germline.
Comment: Absent from controls (or at extremely low frequency if recessive) in Genome Aggregation Database.;Missense variant in a gene that has a low rate of benign missense variation.